The following is an entry in ClinVar:

NM_138927.4(SON):c.5733C>T (p.Ser1911=)

Gene: SON (SON DNA and RNA binding protein; plus strand). Cytogenetic location: 21q22.11.
Variant type: single nucleotide variant.
Coding change: c.5733C>T on transcript NM_138927.4 (MANE Select); coding-DNA position 5733, C replaced by T.
Protein change: p.Ser1911=; no amino-acid change (serine 1911 retained).
Molecular consequence: synonymous variant. On other transcripts: non-coding transcript variant (1), intron variant (1).
Genome position (GRCh38, 1-based): chr21:33,554,964, C>T. VCF-style: chr21-33554964-C-T. GRCh37 (hg19) VCF-style: chr21-34927270-C-T.
Other names: c.5733C>T, p.Ser1911= (NM_001291411.2, NM_001412133.1, NM_032195.3 and 2 more transcripts); c.245-2192C>T (NM_001291412.3).
Identifiers: ClinVar variation 2652621 (VCV002652621.24), dbSNP rs748604786, ClinGen allele CA10009789.

ClinVar aggregate classification (germline): Likely benign (1 of 4 stars; one submission).

Allele frequency attached by ClinVar (database versions not stated): gnomAD exomes 0.00003; ExAC 0.00011.
gnomAD v4.1: 51 of 1,613,920 alleles (0.0032%); highest among the groups gnomAD compares: South Asian, 0.051%; no homozygotes.

Submission:

CeGaT Center for Human Genetics Tuebingen
Classification: Likely benign. Last evaluated: 2022-12-01. Review status: criteria provided, single submitter. Criteria: CeGaT Center For Human Genetics Tuebingen Variant Classification Criteria Version 2. Collection method: clinical testing. Allele origin: germline. Affected: yes. Observed: 1 variant allele.
Comment: SON: BP4, BP7